The following is an entry in ClinVar:

NM_000268.4(NF2):c.515G>A (p.Arg172Lys)

Gene: NF2 (NF2, moesin-ezrin-radixin like (MERLIN) tumor suppressor; plus strand). Cytogenetic location: 22q12.2.
Variant type: single nucleotide variant.
Coding change: c.515G>A on transcript NM_000268.4 (MANE Select); coding-DNA position 515, G replaced by A.
Protein change: p.Arg172Lys; replaces arginine 172 with lysine.
Molecular consequence: missense variant. On other transcripts: non-coding transcript variant (1), intron variant (1).
Genome position (GRCh38, 1-based): chr22:29,654,724, G>A. VCF-style: chr22-29654724-G-A. GRCh37 (hg19) VCF-style: chr22-30050713-G-A.
Other names: c.515G>A, p.Arg172Lys (NM_016418.5, NM_181825.3, NM_181832.3); c.389G>A, p.Arg130Lys (NM_181828.3); c.392G>A, p.Arg131Lys (NM_181829.3); c.266G>A, p.Arg89Lys (NM_181830.3, NM_181831.3); c.447+12439G>A (NM_181833.3); c.515G>A (NM_181832.2); short protein forms R130K, R172K, R89K, R131K.
Identifiers: ClinVar variation 642873 (VCV000642873.13), dbSNP rs752963731, ClinGen allele CA033663.

ClinVar aggregate classification (germline): Uncertain significance. Review status: criteria provided, multiple submitters, no conflicts (2 of 4 stars). 6 submissions from 6 submitters: Uncertain significance (6). Last evaluated 2025-12-23.

Conditions:
Hereditary cancer-predisposing syndrome. Also called: Neoplastic Syndromes, Hereditary; Tumor predisposition; Hereditary neoplastic syndrome; Hereditary Cancer Syndrome. Identifiers: Orphanet 140162, MedGen C0027672, MeSH D009386, MONDO:0015356.
Neurofibromatosis, type 2 (SWNV). Also called: SCHWANNOMATOSIS, VESTIBULAR; NF2-Related Schwannomatosis; BILATERAL ACOUSTIC NEUROFIBROMATOSIS. Identifiers: Orphanet 637, MedGen C0027832, MONDO:0007039, OMIM 101000. Disease mechanism: loss of function.
NF2-related disorder. Also called: NF2-related condition.
SMARCB1-related schwannomatosis. Also called: SWNTS1; Schwannomatosis 1. Identifiers: Orphanet 93921, MedGen C4048809, MONDO:0024517, OMIM 162091. Disease mechanism: loss of function.
Familial meningioma. Also called: Meningioma, familial, susceptibility to. Identifiers: Orphanet 263662, MedGen C3551915, MONDO:0011789, OMIM 607174.

Allele frequency attached by ClinVar (database versions not stated): gnomAD exomes below 0.00001; ExAC 0.00001; gnomAD 0.00001 and 0.00002; TOPMed 0.00004.
gnomAD v4.1: 4 of 1,612,162 alleles (0.00025%); highest among the groups gnomAD compares: Admixed American, 0.0033%; no homozygotes.

Submissions (6):

PreventionGenetics, part of Exact Sciences
Classification: Uncertain significance for NF2-related condition. Last evaluated: 2025-12-23. Review status: criteria provided, single submitter. Criteria: ACMG Guidelines, 2015. Collection method: clinical testing. Allele origin: germline.
Comment: The NF2 c.515G>A variant is predicted to result in the amino acid substitution p.Arg172Lys. To our knowledge, this variant has not been reported in the literature. This variant is reported in 0.0033% of alleles in individuals of South Asian descent in gnomAD. At this time, the clinical significance of this variant is uncertain due to the absence of conclusive functional and genetic evidence.

Labcorp Genetics (formerly Invitae), Labcorp
Classification: Uncertain significance for Neurofibromatosis, type 2. Last evaluated: 2025-10-12. Review status: criteria provided, single submitter. Criteria: Invitae Variant Classification Sherloc (09022015). Collection method: clinical testing. Allele origin: germline.
Comment: This sequence change replaces arginine, which is basic and polar, with lysine, which is basic and polar, at codon 172 of the NF2 protein (p.Arg172Lys). This variant is present in population databases (rs752963731, gnomAD 0.003%). This variant has not been reported in the literature in individuals affected with NF2-related conditions. ClinVar contains an entry for this variant (Variation ID: 642873). An algorithm developed to predict the effect of missense changes on protein structure and function (PolyPhen-2) suggests that this variant is likely to be tolerated. In summary, the available evidence is currently insufficient to determine the role of this variant in disease. Therefore, it has been classified as a Variant of Uncertain Significance.

Color Diagnostics, LLC DBA Color Health
Classification: Uncertain significance for Neurofibromatosis, type 2. Last evaluated: 2025-08-20. Review status: criteria provided, single submitter. Criteria: ACMG Guidelines, 2015. Collection method: clinical testing. Allele origin: germline.
Comment: This missense variant replaces arginine with lysine at codon 172 of the NF2 protein. Computational prediction is uncertain of the variant impact on protein structure and function. To our knowledge, functional studies have not been reported for this variant. This variant has not been reported in individuals affected with NF2-related disorders in the literature. This variant has been identified in 4/1612162 chromosomes in the general population by the Genome Aggregation Database (gnomAD v4.1.0). The available evidence is insufficient to determine the role of this variant in disease conclusively. Therefore, this variant is classified as a Variant of Uncertain Significance.

Ambry Genetics
Classification: Uncertain significance for Hereditary cancer-predisposing syndrome. Last evaluated: 2024-10-19. Review status: criteria provided, single submitter. Criteria: Ambry Variant Classification Scheme 2023. Collection method: clinical testing. Allele origin: germline.
Comment: The p.R172K variant (also known as c.515G>A), located in coding exon 5 of the NF2 gene, results from a G to A substitution at nucleotide position 515. The arginine at codon 172 is replaced by lysine, an amino acid with highly similar properties. This amino acid position is highly conserved in available vertebrate species. In addition, the in silico prediction for this alteration is inconclusive. Since supporting evidence is limited at this time, the clinical significance of this alteration remains unclear.

All of Us Research Program, National Institutes of Health
Classification: Uncertain significance for Neurofibromatosis, type 2. Last evaluated: 2024-01-10. Review status: criteria provided, single submitter. Criteria: ACMG Guidelines, 2015. Collection method: clinical testing. Allele origin: germline. Inheritance: Autosomal dominant inheritance. Observed: 4 variant alleles, 4 heterozygotes.
Comment: This missense variant replaces arginine with lysine at codon 172 of the NF2 protein. Computational prediction suggests that this variant may not impact protein structure and function (internally defined REVEL score threshold <= 0.5, PMID: 27666373). To our knowledge, functional studies have not been reported for this variant. This variant has not been reported in individuals affected with NF2-related disorders in the literature. This variant has been identified in 1/251436 chromosomes in the general population by the Genome Aggregation Database (gnomAD). The available evidence is insufficient to determine the role of this variant in disease conclusively. Therefore, this variant is classified as a Variant of Uncertain Significance.

This study involves interpretation of variants in research participants for the purpose of population health screening. Participant phenotype was not available at the time of variant classification. Additional details can be found in publication PMID: 35346344, PMCID: PMC8962531

Fulgent Genetics
Classification: Uncertain significance for Neurofibromatosis, type 2; SMARCB1-related schwannomatosis; Familial meningioma. Last evaluated: 2022-01-04. Review status: criteria provided, single submitter. Criteria: ACMG Guidelines, 2015. Collection method: clinical testing. Allele origin: unknown.